The following is an entry in ClinVar:

ClinVar aggregate classification (germline): Uncertain significance. Review status: criteria provided, multiple submitters, no conflicts (2 of 4 stars). 2 submissions from 2 submitters: Uncertain significance (2). Last evaluated 2025-06-01.

Conditions:
Inborn genetic diseases. Identifiers: MedGen C0950123, MeSH D030342.

gnomAD v4.1: 2 of 1,613,936 alleles (0.00012%); highest among the groups gnomAD compares: Non-Finnish European, 0.00017%; no homozygotes.

Submissions (2):

Labcorp Genetics (formerly Invitae), Labcorp
Classification: Uncertain significance. Last evaluated: 2025-06-01. Review status: criteria provided, single submitter. Criteria: Invitae Variant Classification Sherloc (09022015). Collection method: clinical testing. Allele origin: germline.
Comment: This sequence change replaces phenylalanine, which is neutral and non-polar, with leucine, which is neutral and non-polar, at codon 424 of the MECOM protein (p.Phe424Leu). This variant is not present in population databases (gnomAD no frequency). This variant has not been reported in the literature in individuals affected with MECOM-related conditions. ClinVar contains an entry for this variant (Variation ID: 3394360). An algorithm developed to predict the effect of missense changes on protein structure and function (PolyPhen-2) suggests that this variant is likely to be tolerated. In summary, the available evidence is currently insufficient to determine the role of this variant in disease. Therefore, it has been classified as a Variant of Uncertain Significance.

Ambry Genetics
Classification: Uncertain significance for Inborn genetic diseases. Last evaluated: 2024-12-02. Review status: criteria provided, single submitter. Criteria: Ambry Variant Classification Scheme 2023. Collection method: clinical testing. Allele origin: germline.
Comment: The p.F612L variant (also known as c.1834T>C), located in coding exon 8 of the MECOM gene, results from a T to C substitution at nucleotide position 1834. The phenylalanine at codon 612 is replaced by leucine, an amino acid with highly similar properties. This amino acid position is conserved. In addition, this alteration is predicted to be tolerated by in silico analysis. Based on the available evidence, the clinical significance of this variant remains unclear.

NM_004991.4(MECOM):c.1834T>C (p.Phe612Leu)

Gene: MECOM (MDS1 and EVI1 complex locus; minus strand). Cytogenetic location: 3q26.2.
Variant type: single nucleotide variant.
Coding change: c.1834T>C on transcript NM_004991.4 (MANE Select); coding-DNA position 1834, T replaced by C.
Protein change: p.Phe612Leu; replaces phenylalanine 612 with leucine.
Molecular consequence: missense variant. On other transcripts: intron variant (2).
Genome position (GRCh38, 1-based): chr3:169,116,038, A>G on the plus strand (T>C on the coding strand, the complement: MECOM is on the minus strand). VCF-style: chr3-169116038-A-G. GRCh37 (hg19) VCF-style: chr3-168833826-A-G.
Other names: c.1465T>C, p.Phe489Leu (NM_001105077.4); c.1270T>C, p.Phe424Leu (NM_001105078.4, NM_001164000.2, NM_001205194.2 and 4 more transcripts); c.1273T>C, p.Phe425Leu (NM_001163999.2, NM_001366467.2, NM_001366468.2 and 1 more transcripts); c.1834T>C, p.Phe612Leu (NM_001366466.2); c.1133-271T>C (NM_001366473.2); c.569-271T>C (NM_001366474.2); short protein forms F425L, F489L, F424L, F612L.
Identifiers: ClinVar variation 3394360 (VCV003394360.3).